The following is an entry in ClinVar:

NM_003200.5(TCF3):c.1573dup (p.Arg525fs)

Gene: TCF3 (transcription factor 3; minus strand). Cytogenetic location: 19p13.3.
Variant type: Duplication.
Coding change: c.1573dup on transcript NM_003200.5 (MANE Select); coding-DNA position 1573, one base duplicated (C; older notation c.1573dupC).
Protein change: p.Arg525fs; shifts the reading frame from arginine 525.
Molecular consequence: frameshift variant.
Genome position (GRCh38, 1-based): chr19:1,615,699, G duplicated on the plus strand (C on the coding strand, the reverse complement: TCF3 is on the minus strand); the first of 6 consecutive G bases (chr19:1,615,699-1,615,704); duplicating any one gives the same sequence. VCF-style (leftmost placement, unchanged base first): chr19-1615698-C-CG. GRCh37 (hg19) VCF-style: chr19-1615697-C-CG.
Other names: c.1573dup, p.Arg525fs (NM_001136139.4, NM_001351779.2); c.1570dup, p.Arg524fs (NM_001351778.2); short protein forms R524fs, R525fs.
Identifiers: ClinVar variation 4774069 (VCV004774069.1).

ClinVar aggregate classification (germline): Pathogenic (1 of 4 stars; one submission).

Submission:

Labcorp Genetics (formerly Invitae), Labcorp
Classification: Pathogenic. Last evaluated: 2025-04-13. Review status: criteria provided, single submitter. Criteria: Invitae Variant Classification Sherloc (09022015). Collection method: clinical testing. Allele origin: germline.
Comment: This sequence change creates a premature translational stop signal (p.Arg525Profs*31) in the TCF3 gene. It is expected to result in an absent or disrupted protein product. Loss-of-function variants in TCF3 are known to be pathogenic (PMID: 24216514, 30063982, 37277074). This variant is not present in population databases (gnomAD no frequency). This variant has not been reported in the literature in individuals affected with TCF3-related conditions. For these reasons, this variant has been classified as Pathogenic.

Literature cited by the submitters: PubMed 24216514; PubMed 30063982; PubMed 37277074.